The following is an entry in ClinVar:

NM_000018.4(ACADVL):c.1510G>C (p.Glu504Gln)

Gene: ACADVL (acyl-CoA dehydrogenase very long chain; plus strand). Cytogenetic location: 17p13.1.
Variant type: single nucleotide variant.
Coding change: c.1510G>C on transcript NM_000018.4 (MANE Select); coding-DNA position 1510, G replaced by C.
Protein change: p.Glu504Gln; replaces glutamic acid 504 with glutamine.
Molecular consequence: missense variant.
Genome position (GRCh38, 1-based): chr17:7,224,221, G>C. VCF-style: chr17-7224221-G-C. GRCh37 (hg19) VCF-style: chr17-7127540-G-C.
Other names: c.1444G>C, p.Glu482Gln (NM_001033859.3); c.1579G>C, p.Glu527Gln (NM_001270447.2); c.1282G>C, p.Glu428Gln (NM_001270448.2); short protein forms E482Q, E504Q, E428Q, E527Q.
Identifiers: ClinVar variation 1425639 (VCV001425639.3), dbSNP rs376795010, ClinGen allele CA397725271.

ClinVar aggregate classification (germline): Uncertain significance (1 of 4 stars; one submission).

Conditions:
Very long chain acyl-CoA dehydrogenase deficiency (ACADVLD). Also called: VLCAD Deficiency; Very Long-Chain Acyl-Coenzyme A Dehydrogenase Deficiency. Identifiers: Orphanet 26793, MedGen C3887523, MONDO:0008723, OMIM 201475.

Submission:

Labcorp Genetics (formerly Invitae), Labcorp
Classification: Uncertain significance for Very long chain acyl-CoA dehydrogenase deficiency. Last evaluated: 2021-11-12. Review status: criteria provided, single submitter. Criteria: Invitae Variant Classification Sherloc (09022015). Collection method: clinical testing. Allele origin: germline.
Comment: This sequence change replaces glutamic acid, which is acidic and polar, with glutamine, which is neutral and polar, at codon 504 of the ACADVL protein (p.Glu504Gln). This variant is not present in population databases (gnomAD no frequency). This variant has not been reported in the literature in individuals affected with ACADVL-related conditions. Algorithms developed to predict the effect of missense changes on protein structure and function are either unavailable or do not agree on the potential impact of this missense change (SIFT: "Deleterious"; PolyPhen-2: "Benign"; Align-GVGD: "Class C0"). In summary, the available evidence is currently insufficient to determine the role of this variant in disease. Therefore, it has been classified as a Variant of Uncertain Significance.